The following is an entry in ClinVar:

ClinVar aggregate classification (germline): Pathogenic (1 of 4 stars; one submission).

Conditions:
Cerebral cavernous malformation 3. Also called: Familial Cerebral Cavernous Malformation 3. Identifiers: Orphanet 221061, MedGen C1864040, MONDO:0011305, OMIM 603285.

Submission:

Labcorp Genetics (formerly Invitae), Labcorp
Classification: Pathogenic for Cerebral cavernous malformation 3. Last evaluated: 2025-11-19. Review status: criteria provided, single submitter. Criteria: Invitae Variant Classification Sherloc (09022015). Collection method: clinical testing. Allele origin: germline.
Comment: This sequence change creates a premature translational stop signal (p.Ser16Trpfs*17) in the PDCD10 gene. It is expected to result in an absent or disrupted protein product. Loss-of-function variants in PDCD10 are known to be pathogenic (PMID: 15543491, 18300272, 23801932). This variant is not present in population databases (gnomAD no frequency). This variant has not been reported in the literature in individuals affected with PDCD10-related conditions. For these reasons, this variant has been classified as Pathogenic.

Literature cited by the submitters: PubMed 15543491; PubMed 18300272; PubMed 23801932.

NM_007217.4(PDCD10):c.47_50del (p.Ser16fs)

Gene: PDCD10 (programmed cell death 10; minus strand). Cytogenetic location: 3q26.1.
Variant type: Deletion.
Coding change: c.47_50del on transcript NM_007217.4 (MANE Select); coding-DNA positions 47 to 50, 4 bases deleted (CCAT; older notation c.47_50delCCAT).
Protein change: p.Ser16fs; shifts the reading frame from serine 16.
Molecular consequence: frameshift variant.
Genome position (GRCh38, 1-based): chr3:167,720,108-167,720,111, ATGG deleted on the plus strand (CCAT on the coding strand, the reverse complement: PDCD10 is on the minus strand); deleting any 4 consecutive bases within chr3:167,720,108-167,720,114 gives the same sequence; the c. name uses the placement nearest the transcript's 3' end. VCF-style (leftmost placement, unchanged base first): chr3-167720107-CATGG-C. GRCh37 (hg19) VCF-style: chr3-167437895-CATGG-C.
Other names: c.47_50del, p.Ser16fs (NM_001439202.1, NM_001439204.1, NM_001439205.1 and 2 more transcripts); short protein forms S16fs.
Identifiers: ClinVar variation 4731580 (VCV004731580.1).
Genomic context (GRCh38, chr3:167,720,107, plus strand): 5'-GTTTACCCAACTCACCTCATTAAACACAGGATACATGACTGCATAGAGGGGCATAGAAAC[CATGG>C]ATGTGGTCTCAGCTTCATTCTTCATCTCTTCCATTGTCATCCTCATTCAAAAGCCAACTA-3'